The following is an entry in ClinVar:

ClinVar aggregate classification (germline): Pathogenic (1 of 4 stars; one submission).

Conditions:
Microcephaly-intellectual disability-sensorineural hearing loss-epilepsy-abnormal muscle tone syndrome (NEDHSB). Also called: NEURODEVELOPMENTAL DISORDER WITH HEARING LOSS, SEIZURES, AND BRAIN ABNORMALITIES. Identifiers: Orphanet 457351, MedGen C4225276, MONDO:0014698, OMIM 616577.

Submission:

Equipe Genetique des Anomalies du Developpement, Université de Bourgogne
Classification: Pathogenic for Microcephaly-intellectual disability-sensorineural hearing loss-epilepsy-abnormal muscle tone syndrome. Last evaluated: 2018-09-25. Review status: criteria provided, single submitter. Criteria: ACMG Guidelines, 2015. Collection method: clinical testing. Allele origin: inherited. Affected: yes. Observed: 2 heterozygotes, 1 homozygote.
Comment: Observed as a homozygote.

NM_145207.3(AFG2A):c.2038G>T (p.Ala680Ser)

Gene: AFG2A (AFG2 AAA ATPase homolog A; plus strand). Cytogenetic location: 4q28.1.
Variant type: single nucleotide variant.
Coding change: c.2038G>T on transcript NM_145207.3 (MANE Select); coding-DNA position 2038, G replaced by T.
Protein change: p.Ala680Ser; replaces alanine 680 with serine.
Molecular consequence: missense variant.
Genome position (GRCh38, 1-based): chr4:123,028,354, G>T. VCF-style: chr4-123028354-G-T. GRCh37 (hg19) VCF-style: chr4-123949509-G-T.
Other names: c.2035G>T, p.Ala679Ser (NM_001317799.2, NM_001345856.2); short protein forms A679S, A680S.
Identifiers: ClinVar variation 666562 (VCV000666562.1), dbSNP rs1578710903, ClinGen allele CA358102838.